The following is an entry in ClinVar:

NM_000515.5(GH1):c.468T>C (p.Asp156=)

Genes: GH-LCR (growth hormone locus control region; plus strand), GH1 (growth hormone 1; minus strand). Cytogenetic location: 17q23.3.
Variant type: single nucleotide variant.
Coding change: c.468T>C on transcript NM_000515.5 (MANE Select); coding-DNA position 468, T replaced by C.
Protein change: p.Asp156=; no amino-acid change (aspartic acid 156 retained).
Molecular consequence: synonymous variant.
Genome position (GRCh38, 1-based): chr17:63,917,495, A>G on the plus strand (T>C on the coding strand, the complement: GH1 is on the minus strand). VCF-style: chr17-63917495-A-G. GRCh37 (hg19) VCF-style: chr17-61994855-A-G.
Other names: c.423T>C, p.Asp141= (NM_022559.4); c.348T>C, p.Asp116= (NM_022560.4).
Identifiers: ClinVar variation 891325 (VCV000891325.32), dbSNP rs201849388, ClinGen allele CA8708148.

ClinVar aggregate classification (germline): Conflicting classifications of pathogenicity. Review status: criteria provided, conflicting classifications (1 of 4 stars). 4 submissions from 4 submitters: Uncertain significance (1); Likely benign (3). Last evaluated 2025-04-09.

Conditions:
Decreased response to growth hormone stimulation test. Also called: Growth hormone deficiency. Identifiers: MedGen C5539399, HP:0000824.

Allele frequency attached by ClinVar (database versions not stated): ESP Exome Variant Server 0.00008; gnomAD exomes 0.00014 and 0.00024; 1000 Genomes Project 30x 0.00016; gnomAD 0.00016 and 0.00018; 1000 Genomes Project 0.00020; TOPMed 0.00023; ExAC 0.00024.

Submissions (4):

Labcorp Genetics (formerly Invitae), Labcorp
Classification: Likely benign. Last evaluated: 2025-04-09. Review status: criteria provided, single submitter. Criteria: Invitae Variant Classification Sherloc (09022015). Collection method: clinical testing. Allele origin: germline.

Blueprint Genetics
Classification: Likely benign. Last evaluated: 2024-11-06. Review status: criteria provided, single submitter. Criteria: ACMG Guidelines, 2015. Collection method: clinical testing. Allele origin: germline.

CeGaT Center for Human Genetics Tuebingen
Classification: Likely benign. Last evaluated: 2022-12-01. Review status: criteria provided, single submitter. Criteria: CeGaT Center For Human Genetics Tuebingen Variant Classification Criteria Version 2. Collection method: clinical testing. Allele origin: germline. Affected: yes. Observed: 1 variant allele.
Comment: GH1: BP4, BP7

Illumina Laboratory Services, Illumina
Classification: Uncertain significance for Growth hormone deficiency. Last evaluated: 2018-01-12. Review status: criteria provided, single submitter. Criteria: ICSL Variant Classification Criteria 13 December 2019. Collection method: clinical testing. Allele origin: germline.